The following is an entry in ClinVar:

ClinVar aggregate classification (germline): Uncertain significance (1 of 4 stars; one submission).

Conditions:
EPILEPSY, CHILDHOOD ABSENCE, SUSCEPTIBILITY TO, 2 (ECA2). Identifiers: Orphanet 64280, MedGen C1843244, OMIM 607681.
Febrile seizures, familial, 8 (FEB8). Also called: CONVULSIONS, FAMILIAL FEBRILE, 8. Identifiers: Orphanet 36387, MedGen C1969810, MONDO:0011891, OMIM 607681.

Submission:

Labcorp Genetics (formerly Invitae), Labcorp
Classification: Uncertain significance for Febrile seizures, familial, 8; EPILEPSY, CHILDHOOD ABSENCE, SUSCEPTIBILITY TO, 2. Last evaluated: 2023-02-01. Review status: criteria provided, single submitter. Criteria: Invitae Variant Classification Sherloc (09022015). Collection method: clinical testing. Allele origin: germline.
Comment: This sequence change falls in intron 6 of the GABRG2 gene. It does not directly change the encoded amino acid sequence of the GABRG2 protein. Information on the frequency of this variant in the gnomAD database is not available, as this variant may be reported differently in the database. This variant has not been reported in the literature in individuals affected with GABRG2-related conditions. Experimental studies and prediction algorithms are not available or were not evaluated, and the effect of this variant on mRNA splicing is currently unknown. In summary, the available evidence is currently insufficient to determine the role of this variant in disease. Therefore, it has been classified as a Variant of Uncertain Significance.

NM_198904.4(GABRG2):c.769+8_769+9delinsAA

Gene: GABRG2 (gamma-aminobutyric acid type A receptor subunit gamma2; plus strand). Cytogenetic location: 5q34.
Variant type: Indel.
Coding change: c.769+8_769+9delinsAA on transcript NM_198904.4 (MANE Select); bases 8 to 9 of the intron after coding-DNA position 769, GC replaced by AA.
Molecular consequence: intron variant.
Genome position (GRCh38, 1-based): chr5:162,104,034-162,104,035, GC replaced by AA. VCF-style: chr5-162104034-GC-AA. GRCh37 (hg19) VCF-style: chr5-161531040-GC-AA.
Other names: c.484+8_484+9delinsAA (NM_001375349.1); c.889+8_889+9delinsAA (NM_001375343.1, NM_198903.2); c.769+8_769+9delinsAA (NM_001375344.1, NM_001375340.1, NM_001375341.1 and 2 more transcripts); c.349+8_349+9delinsAA (NM_001375350.1, NM_001375348.1); c.760+8_760+9delinsAA (NM_001375339.1); c.703+8_703+9delinsAA (NM_001375346.1, NM_001375345.1); c.682+8_682+9delinsAA (NM_001375347.1).
Identifiers: ClinVar variation 2942750 (VCV002942750.3), dbSNP rs2532592917, ClinGen allele CA2740094172.